The following is an entry in ClinVar:

ClinVar aggregate classification (germline): Benign (1 of 4 stars; one submission).

Conditions:
Autosomal dominant pseudohypoaldosteronism type 1. Also called: Pseudohypoaldosteronism, Type I, Autosomal Dominant; PHA I, AUTOSOMAL DOMINANT; Pseudohypoaldosteronism, Type I, Dominant. Identifiers: Orphanet 171871, Orphanet 756, MedGen C1449842, MONDO:0008329, OMIM 177735.

Allele frequency attached by ClinVar (database versions not stated): gnomAD 0.00826 and 0.00882; TOPMed 0.00840; 1000 Genomes Project 30x 0.01140; 1000 Genomes Project 0.01298; gnomAD exomes 0.01330.
gnomAD v4.1: 1,345 of 152,678 alleles (0.88%); highest among the groups gnomAD compares: East Asian, 3.4%; 9 homozygotes.

Submission:

Illumina Laboratory Services, Illumina
Classification: Benign for Autosomal dominant pseudohypoaldosteronism type 1. Last evaluated: 2018-01-13. Review status: criteria provided, single submitter. Criteria: ICSL Variant Classification Criteria 13 December 2019. Collection method: clinical testing. Allele origin: germline.
Comment: This variant was observed in the ICSL laboratory as part of a predisposition screen in an ostensibly healthy population. It had not been previously curated by ICSL or reported in the Human Gene Mutation Database (HGMD: prior to June 1st, 2018), and was therefore a candidate for classification through an automated scoring system. Utilizing variant allele frequency, disease prevalence and penetrance estimates, and inheritance mode, an automated score was calculated to assess if this variant is too frequent to cause the disease. Based on the score and internal cut-off values, a variant classified as benign is not then subjected to further curation. The score for this variant resulted in a classification of benign for this disease.

NM_000901.5(NR3C2):c.-8A>T

Gene: NR3C2 (nuclear receptor subfamily 3 group C member 2; minus strand). Cytogenetic location: 4q31.23.
Variant type: single nucleotide variant.
Coding change: c.-8A>T on transcript NM_000901.5 (MANE Select); 8 bases upstream of the start codon, A replaced by T.
Molecular consequence: 5 prime UTR variant. On other transcripts: non-coding transcript variant (1), intron variant (1).
Genome position (GRCh38, 1-based): chr4:148,442,165, T>A on the plus strand (A>T on the coding strand, the complement: NR3C2 is on the minus strand). VCF-style: chr4-148442165-T-A. GRCh37 (hg19) VCF-style: chr4-149363317-T-A.
Other names: c.-8A>T (NM_001166104.2); c.-3+2361A>T (NM_001354819.1).
Identifiers: ClinVar variation 347740 (VCV000347740.5), dbSNP rs61760021, ClinGen allele CA10617194.
Genomic context (GRCh38, chr4:148,442,165, plus strand): 5'-CCGCGGCCGCACGCCGAGCACGGCAAGCGGTGCCCCGCCGCGCGCCCCTACACACCTGCC[T>A]CGGCCGGGGTCCGTCTCTCGCCGTCTACCTGTTGCAGCGCTTGCCACCGCCACGAAACCC-3'